The following is an entry in ClinVar:

NM_000553.6(WRN):c.1A>G (p.Met1Val)

Gene: WRN (WRN RecQ like helicase; plus strand). Cytogenetic location: 8p12.
Variant type: single nucleotide variant.
Coding change: c.1A>G on transcript NM_000553.6 (MANE Select); coding-DNA position 1, A replaced by G.
Protein change: p.Met1Val; changes the start codon (methionine 1).
Molecular consequence: missense variant, initiator codon variant.
Genome position (GRCh38, 1-based): chr8:31,058,448, A>G. VCF-style: chr8-31058448-A-G. GRCh37 (hg19) VCF-style: chr8-30915964-A-G.
Other names: short protein forms M1V.
Identifiers: ClinVar variation 2766120 (VCV002766120.3), dbSNP rs1024022898, ClinGen allele CA174838725.

ClinVar aggregate classification (germline): Uncertain significance (1 of 4 stars; one submission).

Conditions:
Werner syndrome (WRN). Identifiers: Orphanet 902, MedGen C0043119, MONDO:0010196, OMIM 277700.

Allele frequency attached by ClinVar (database versions not stated): gnomAD exomes below 0.00001.

Submission:

Labcorp Genetics (formerly Invitae), Labcorp
Classification: Uncertain significance for Werner syndrome. Last evaluated: 2024-01-26. Review status: criteria provided, single submitter. Criteria: Invitae Variant Classification Sherloc (09022015). Collection method: clinical testing. Allele origin: germline.
Comment: This sequence change affects the initiator methionine of the WRN mRNA. The next in-frame methionine is located at codon 19. This variant is not present in population databases (gnomAD no frequency). This variant has not been reported in the literature in individuals affected with WRN-related conditions. Experimental studies and prediction algorithms are not available or were not evaluated, and the functional significance of this variant is currently unknown. In summary, the available evidence is currently insufficient to determine the role of this variant in disease. Therefore, it has been classified as a Variant of Uncertain Significance.